The following is an entry in ClinVar:

ClinVar aggregate classification (germline): Uncertain significance (1 of 4 stars; one submission).

Conditions:
Loeys-Dietz syndrome 2 (LDS2). Also called: AORTIC ANEURYSM, FAMILIAL THORACIC 3; MARFAN SYNDROME, TYPE II; Marfan syndrome, type 2 (formerly); TGFBR2-Related Loeys-Dietz Syndrome; Marfan Syndrome type 2; Marfan like connective tissue disorder. Identifiers: Orphanet 284973, Orphanet 558, MedGen C2674574, MONDO:0012427, OMIM 610168.

Submission:

Labcorp Genetics (formerly Invitae), Labcorp
Classification: Uncertain significance for Loeys-Dietz syndrome 2. Last evaluated: 2017-10-11. Review status: criteria provided, single submitter. Criteria: Invitae Variant Classification Sherloc (09022015). Collection method: clinical testing. Allele origin: germline.
Comment: This sequence change results in a premature translational stop signal in the TMPO gene (p.Cys561*). While this is not anticipated to result in nonsense mediated decay, it is expected to disrupt the last 134 amino acids of the TMPO protein. This variant is not present in population databases (ExAC no frequency). This variant has not been reported in the literature in individuals with TMPO-related disease. In summary, the available evidence is currently insufficient to determine the role of this variant in disease. Therefore, it has been classified as a Variant of Uncertain Significance. The current clinical and genetic evidence is not sufficient to establish whether loss-of-function variants in TMPO cause disease.

NM_001032283.3(TMPO):c.565+2102C>A

Gene: TMPO (thymopoietin; plus strand). Cytogenetic location: 12q23.1.
Variant type: single nucleotide variant.
Coding change: c.565+2102C>A on transcript NM_001032283.3 (MANE Select); 2102 bases into the intron after coding-DNA position 565, C replaced by A.
Molecular consequence: intron variant. On other transcripts: nonsense (1).
Genome position (GRCh38, 1-based): chr12:98,533,940, C>A. VCF-style: chr12-98533940-C-A. GRCh37 (hg19) VCF-style: chr12-98927718-C-A.
Other names: c.1683C>A, p.Cys561Ter (NM_003276.2); c.565+2102C>A (NM_001307975.2, NM_001032284.3); short protein forms C561*.
Identifiers: ClinVar variation 536976 (VCV000536976.7), dbSNP rs764177808, ClinGen allele CA386153712.